The following is an entry in ClinVar:

ClinVar aggregate classification (germline): Likely benign. Review status: criteria provided, multiple submitters, no conflicts (2 of 4 stars). 4 submissions from 4 submitters: Likely benign (4). Last evaluated 2026-09-04.

Conditions:
PEX1-related disorder. Also called: PEX1-related condition.
Zellweger spectrum disorders (ZS). Also called: Zellweger Spectrum Disorder; Zellweger Spectrum; Zellweger syndrome; Zellweger Spectrum Disorder (ZSD). Identifiers: Orphanet 912, MedGen C0043459, MONDO:0019609.

Allele frequency attached by ClinVar (database versions not stated): gnomAD 0.00001; gnomAD exomes 0.00001 and 0.00004; ExAC 0.00005; TOPMed 0.00005; 1000 Genomes Project 30x 0.00016; 1000 Genomes Project 0.00020.
gnomAD v4.1: 12 of 1,613,798 alleles (0.00074%); highest among the groups gnomAD compares: East Asian, 0.022%; no homozygotes.

Submissions (4):

PreventionGenetics, part of Exact Sciences
Classification: Likely benign for PEX1-related condition. Last evaluated: 2026-09-04. Review status: criteria provided, single submitter. Criteria: ACMG Guidelines, 2015. Collection method: clinical testing. Allele origin: germline.
Comment: This variant is classified as likely benign based on ACMG/AMP sequence variant interpretation guidelines (Richards et al. 2015 PMID: 25741868, with internal and published modifications).

Labcorp Genetics (formerly Invitae), Labcorp
Classification: Likely benign for Zellweger spectrum disorders. Last evaluated: 2026-01-12. Review status: criteria provided, single submitter. Criteria: Invitae Variant Classification Sherloc (09022015). Collection method: clinical testing. Allele origin: germline.

CeGaT Center for Human Genetics Tuebingen
Classification: Likely benign. Last evaluated: 2023-10-01. Review status: criteria provided, single submitter. Criteria: CeGaT Center For Human Genetics Tuebingen Variant Classification Criteria Version 2. Collection method: clinical testing. Allele origin: germline. Affected: yes. Observed: 1 variant allele.
Comment: PEX1: BP4, BP7

Blueprint Genetics
Classification: Likely benign. Last evaluated: 2022-09-08. Review status: criteria provided, single submitter. Criteria: ACMG Guidelines, 2015. Collection method: clinical testing. Allele origin: germline.

NM_000466.3(PEX1):c.2124G>C (p.Leu708=)

Gene: PEX1 (peroxisomal biogenesis factor 1; minus strand). Cytogenetic location: 7q21.2.
Variant type: single nucleotide variant.
Coding change: c.2124G>C on transcript NM_000466.3 (MANE Select); coding-DNA position 2124, G replaced by C.
Protein change: p.Leu708=; no amino-acid change (leucine 708 retained).
Molecular consequence: synonymous variant.
Genome position (GRCh38, 1-based): chr7:92,503,143, C>G on the plus strand (G>C on the coding strand, the complement: PEX1 is on the minus strand). VCF-style: chr7-92503143-C-G. GRCh37 (hg19) VCF-style: chr7-92132457-C-G.
Other names: c.1953G>C, p.Leu651= (NM_001282677.2); c.1500G>C, p.Leu500= (NM_001282678.2); c.2124G>C (NM_000466.2).
Identifiers: ClinVar variation 1110231 (VCV001110231.35), dbSNP rs200258130, ClinGen allele CA4341204.